The following is an entry in ClinVar:

ClinVar aggregate classification (germline): Uncertain significance. Review status: criteria provided, single submitter (1 of 4 stars). 2 submissions from 2 submitters: Uncertain significance (1). 1 of the submissions does not count toward it.

Allele frequency attached by ClinVar (database versions not stated): gnomAD 0.00001; TOPMed 0.00001; gnomAD exomes 0.00002; ExAC 0.00002.
gnomAD v4.1: 68 of 1,613,644 alleles (0.0042%); highest among the groups gnomAD compares: Middle Eastern, 0.033%; no homozygotes.

Submissions (2):

Breakthrough Genomics
Classification: Uncertain significance. Review status: criteria provided, single submitter. Criteria: ACMG Guidelines, 2015. Collection method: not provided. Allele origin: germline. Inheritance: Autosomal recessive inheritance. Affected: yes.

Department of Pathology and Laboratory Medicine, Sinai Health System
Classification: Uncertain significance. Review status: no assertion criteria provided. Collection method: clinical testing. Allele origin: unknown. Affected: yes. Study: The Canadian Open Genetics Repository (COGR). Not counted in ClinVar's aggregate classification.
Comment: The ERCC5 p.Arg1009Cys variant was not identified in the literature nor was it identified in ClinVar or LOVD 3.0. The variant was identified in dbSNP (ID: rs769849733) and Cosmic (FATHMM prediction: pathogenic; score=0.83). The variant was also identified in control databases in 6 of 251278 chromosomes at a frequency of 0.000024 (Genome Aggregation Database Feb 27, 2017). The variant was observed in the following populations: Ashkenazi Jewish in 1 of 10074 chromosomes (freq: 0.000099), European (Finnish) in 1 of 21644 chromosomes (freq: 0.000046), South Asian in 1 of 30608 chromosomes (freq: 0.000033) and European (non-Finnish) in 3 of 113656 chromosomes (freq: 0.000026), while the variant was not observed in the African, Latino, East Asian or Other populations. The p.Arg1009 residue is not conserved in mammals and four out of five computational analyses (PolyPhen-2, SIFT, AlignGVGD, MutationTaster) do not suggest a high likelihood of impact to the protein; however, this information is not predictive enough to rule out pathogenicity. The variant occurs outside of the splicing consensus sequence and in silico or computational prediction software programs (SpliceSiteFinder, MaxEntScan, NNSPLICE, GeneSplicer) do not predict a difference in splicing. In summary, based on the above information the clinical significance of this variant cannot be determined with certainty at this time. This variant is classified as a variant of uncertain significance.

NM_001204425.2(BIVM-ERCC5):c.4387C>T (p.Arg1463Cys)

Genes: BIVM-ERCC5 (BIVM-ERCC5 readthrough; plus strand), ERCC5 (ERCC excision repair 5, endonuclease; plus strand). Cytogenetic location: 13q33.1.
Variant type: single nucleotide variant.
Coding change: c.4387C>T on transcript NM_001204425.2; coding-DNA position 4387, C replaced by T.
Protein change: p.Arg1463Cys; replaces arginine 1463 with cysteine.
Molecular consequence: missense variant.
Genome position (GRCh38, 1-based): chr13:102,875,367, C>T. VCF-style: chr13-102875367-C-T. GRCh37 (hg19) VCF-style: chr13-103527717-C-T.
Other names: c.3025C>T, p.Arg1009Cys (NM_000123.4); short protein forms R1009C, R1463C.
Identifiers: ClinVar variation 1050599 (VCV001050599.2), dbSNP rs769849733, ClinGen allele CA7041823.
Genomic context (GRCh38, chr13:102,875,367, plus strand): 5'-ACACAGCTCCGAATTGATTCCTTCTTTAGATTAGCACAACAGGAGAAAGAAGATGCTAAA[C>T]GTATTAAGAGCCAGAGACTAAACAGAGCTGTGACATGTATGCTAAGGAAAGAGAAAGAAG-3'